The following is an entry in ClinVar:

ClinVar aggregate classification (germline): Benign/Likely benign. Review status: criteria provided, multiple submitters, no conflicts (2 of 4 stars). 3 submissions from 3 submitters: Benign (1); Likely benign (2). Last evaluated 2025-10-01.

Conditions:
Hereditary diffuse gastric adenocarcinoma (HDGC). Also called: DIFFUSE GASTRIC AND LOBULAR BREAST CANCER SYNDROME. Identifiers: Orphanet 26106, MedGen C1708349, MONDO:0007648, OMIM 137215.
Hereditary cancer-predisposing syndrome. Also called: Hereditary Cancer Syndrome; Hereditary neoplastic syndrome; Neoplastic Syndromes, Hereditary; Tumor predisposition. Identifiers: Orphanet 140162, MedGen C0027672, MeSH D009386, MONDO:0015356.

Submissions (3):

Labcorp Genetics (formerly Invitae), Labcorp
Classification: Likely benign. Last evaluated: 2025-10-01. Review status: criteria provided, single submitter. Criteria: Invitae Variant Classification Sherloc (09022015). Collection method: clinical testing. Allele origin: germline.

Myriad Genetics, Inc.
Classification: Benign for Hereditary diffuse gastric adenocarcinoma. Last evaluated: 2024-10-15. Review status: criteria provided, single submitter. Criteria: Myriad Autosomal Dominant, Autosomal Recessive and X-Linked Classification Criteria (2023). Collection method: clinical testing. Allele origin: unknown.
Comment: This variant is considered benign. This variant is a silent/synonymous amino acid change and it is not expected to impact splicing.

Ambry Genetics
Classification: Likely benign for Hereditary cancer-predisposing syndrome. Last evaluated: 2022-12-24. Review status: criteria provided, single submitter. Criteria: Ambry Variant Classification Scheme 2023. Collection method: clinical testing. Allele origin: germline.

NM_001903.5(CTNNA1):c.2625G>A (p.Gln875=)

Gene: CTNNA1 (catenin alpha 1; plus strand). Cytogenetic location: 5q31.2.
Variant type: single nucleotide variant.
Coding change: c.2625G>A on transcript NM_001903.5 (MANE Select); coding-DNA position 2625, G replaced by A.
Protein change: p.Gln875=; no amino-acid change (glutamine 875 retained).
Molecular consequence: synonymous variant. On other transcripts: 3 prime UTR variant (5).
Genome position (GRCh38, 1-based): chr5:138,933,993, G>A. VCF-style: chr5-138933993-G-A. GRCh37 (hg19) VCF-style: chr5-138269682-G-A.
Other names: c.1272G>A, p.Gln424= (NM_001324013.1, NM_001324012.1); c.2625G>A (NM_001903.2); c.*170G>A (NM_001290307.3, NM_001324002.1, NM_001324003.1 and 2 more transcripts); c.2316G>A, p.Gln772= (NM_001290309.3); c.2256G>A, p.Gln752= (NM_001290310.3); c.1515G>A, p.Gln505= (NM_001290312.1, NM_001323987.1, NM_001323988.1 and 12 more transcripts); c.2625G>A, p.Gln875= (NM_001323982.2, NM_001323983.1, NM_001323984.2); c.2598G>A, p.Gln866= (NM_001323985.2); and 4 more.
Identifiers: ClinVar variation 1149499 (VCV001149499.11), dbSNP rs1766005693, ClinGen allele CA446793469.